The following is an entry in ClinVar:

ClinVar aggregate classification (germline): Likely benign (1 of 4 stars; one submission).

Allele frequency attached by ClinVar (database versions not stated): 1000 Genomes Project 0.00699; 1000 Genomes Project 30x 0.00890; TOPMed 0.00979; gnomAD 0.01140.
gnomAD v4.1: 1,498 of 152,300 alleles (0.98%); highest among the groups gnomAD compares: Non-Finnish European, 1.6%; 10 homozygotes.

Submission:

GeneDx
Classification: Likely benign. Last evaluated: 2018-06-14. Review status: criteria provided, single submitter. Criteria: GeneDx Variant Classification (06012015). Collection method: clinical testing. Allele origin: germline. Affected: yes.
Comment: This variant is considered likely benign or benign based on one or more of the following criteria: it is a conservative change, it occurs at a poorly conserved position in the protein, it is predicted to be benign by multiple in silico algorithms, and/or has population frequency not consistent with disease.

NM_001134831.2(AHI1):c.3589-209G>A

Gene: AHI1 (Abelson helper integration site 1; minus strand). Cytogenetic location: 6q23.3.
Variant type: single nucleotide variant.
Coding change: c.3589-209G>A on transcript NM_001134831.2 (MANE Select); 209 bases into the intron before coding-DNA position 3589, G replaced by A.
Molecular consequence: intron variant.
Genome position (GRCh38, 1-based): chr6:135,285,856, C>T on the plus strand (G>A on the coding strand, the complement: AHI1 is on the minus strand). VCF-style: chr6-135285856-C-T. GRCh37 (hg19) VCF-style: chr6-135606994-C-T.
Other names: c.3589-209G>A (NM_001134830.2, NM_001350503.2, NM_017651.5); c.3486-209G>A (NM_001350504.2).
Identifiers: ClinVar variation 680020 (VCV000680020.1), dbSNP rs113719301, ClinGen allele CA15474462.